The following is an entry in ClinVar:

NM_000310.4(PPT1):c.837G>C (p.Gln279His)

Gene: PPT1 (palmitoyl-protein thioesterase 1; minus strand). Cytogenetic location: 1p34.2.
Variant type: single nucleotide variant.
Coding change: c.837G>C on transcript NM_000310.4 (MANE Select); coding-DNA position 837, G replaced by C.
Protein change: p.Gln279His; replaces glutamine 279 with histidine.
Molecular consequence: missense variant.
Genome position (GRCh38, 1-based): chr1:40,074,145, C>G on the plus strand (G>C on the coding strand, the complement: PPT1 is on the minus strand). VCF-style: chr1-40074145-C-G. GRCh37 (hg19) VCF-style: chr1-40539817-C-G.
Other names: p.Q279H:CAG>CAC; c.528G>C, p.Gln176His (NM_001142604.2); c.765G>C, p.Gln255His (NM_001363695.2); short protein forms Q279H, Q176H, Q255H.
Identifiers: ClinVar variation 130023 (VCV000130023.33), dbSNP rs72937434, ClinGen allele CA288996.

ClinVar aggregate classification (germline): Benign. Review status: criteria provided, multiple submitters, no conflicts (2 of 4 stars). 13 submissions from 13 submitters: Benign (7). 6 of the submissions do not count toward it. Last evaluated 2026-02-04.

Conditions:
Inborn genetic diseases. Identifiers: MedGen C0950123, MeSH D030342.
Neuronal ceroid lipofuscinosis 1 (CLN1). Also called: CEROID LIPOFUSCINOSIS, NEURONAL, 1, VARIABLE AGE AT ONSET; PPT1-Related Neuronal Ceroid-Lipofuscinosis. Identifiers: Orphanet 228329, MedGen C1850451, MONDO:0009744, OMIM 256730.

Allele frequency attached by ClinVar (database versions not stated): gnomAD exomes 0.00224 and 0.00560; ExAC 0.00676; gnomAD 0.02312 and 0.02506; ESP Exome Variant Server 0.02491; 1000 Genomes Project 0.02576; TOPMed 0.02630; 1000 Genomes Project 30x 0.02795.
gnomAD v4.1: 6,947 of 1,614,148 alleles (0.43%); highest among the groups gnomAD compares: African/African-American, 8.3%; 254 homozygotes.

Submissions (13):

Labcorp Genetics (formerly Invitae), Labcorp
Classification: Benign for Neuronal ceroid lipofuscinosis 1. Last evaluated: 2026-02-04. Review status: criteria provided, single submitter. Criteria: Invitae Variant Classification Sherloc (09022015). Collection method: clinical testing. Allele origin: germline.

Women's Health and Genetics/Laboratory Corporation of America, LabCorp
Classification: Benign. Last evaluated: 2020-05-08. Review status: criteria provided, single submitter. Criteria: LabCorp Variant Classification Summary - May 2015. Collection method: clinical testing. Allele origin: germline.
Comment: Variant summary: PPT1 c.837G>C (p.Gln279His) results in a non-conservative amino acid change in the encoded protein sequence. Three of five in-silico tools predict a damaging effect of the variant on protein function. The variant allele was found at a frequency of 0.0075 in 282822 control chromosomes, predominantly at a frequency of 0.079 within the African or African-American subpopulation in the gnomAD database, including 68 homozygotes. The observed variant frequency within African or African-American control individuals in the gnomAD database is approximately 108 fold of the estimated maximal expected allele frequency for a pathogenic variant in PPT1 causing Neuronal Ceroid-Lipofuscinosis (Batten Disease) phenotype (0.00073), strongly suggesting that the variant is a benign polymorphism found primarily in populations of African or African-American origin. To our knowledge, no occurrence of c.837G>C in individuals affected with Neuronal Ceroid-Lipofuscinosis (Batten Disease) and no experimental evidence demonstrating its impact on protein function have been reported. Four ClinVar submitters (evaluation after 2014) cite the variant as benign/likely benign. Based on the evidence outlined above, the variant was classified as benign.

Illumina Laboratory Services, Illumina
Classification: Benign for Neuronal ceroid lipofuscinosis 1. Last evaluated: 2018-01-13. Review status: criteria provided, single submitter. Criteria: ICSL Variant Classification Criteria 13 December 2019. Collection method: clinical testing. Allele origin: germline.
Comment: This variant was observed in the ICSL laboratory as part of a predisposition screen in an ostensibly healthy population. It had not been previously curated by ICSL or reported in the Human Gene Mutation Database (HGMD: prior to June 1st, 2018), and was therefore a candidate for classification through an automated scoring system. Utilizing variant allele frequency, disease prevalence and penetrance estimates, and inheritance mode, an automated score was calculated to assess if this variant is too frequent to cause the disease. Based on the score and internal cut-off values, a variant classified as benign is not then subjected to further curation. The score for this variant resulted in a classification of benign for this disease.

Ambry Genetics
Classification: Benign for Inborn genetic diseases. Last evaluated: 2016-01-08. Review status: criteria provided, single submitter. Criteria: Ambry Variant Classification Scheme 2023. Collection method: clinical testing. Allele origin: germline.

GeneDx
Classification: Benign. Last evaluated: 2012-03-02. Review status: criteria provided, single submitter. Criteria: GeneDx Variant Classification (06012015). Collection method: clinical testing. Allele origin: germline. Affected: yes.
Comment: This variant is considered likely benign or benign based on one or more of the following criteria: it is a conservative change, it occurs at a poorly conserved position in the protein, it is predicted to be benign by multiple in silico algorithms, and/or has population frequency not consistent with disease.

Breakthrough Genomics
Classification: Benign. Review status: criteria provided, single submitter. Criteria: ACMG Guidelines, 2015. Collection method: not provided. Allele origin: germline. Inheritance: Autosomal recessive inheritance. Affected: yes.

PreventionGenetics, part of Exact Sciences
Classification: Benign. Review status: criteria provided, single submitter. Criteria: ACMG Guidelines, 2015. Collection method: clinical testing. Allele origin: germline.

Natera, Inc.
Classification: Benign for Neuronal ceroid lipofuscinosis 1. Last evaluated: 2020-09-16. Review status: no assertion criteria provided. Collection method: clinical testing. Allele origin: germline. Not counted in ClinVar's aggregate classification.

Mayo Clinic Laboratories, Mayo Clinic
Classification: Benign. Last evaluated: 2017-08-30. Review status: no assertion criteria provided. Collection method: clinical testing. Allele origin: unknown. Not counted in ClinVar's aggregate classification.

Genetic Services Laboratory, University of Chicago
Classification: Likely benign for AllHighlyPenetrant. Review status: no assertion criteria provided. Collection method: clinical testing. Allele origin: germline. Inheritance: Autosomal recessive inheritance. Not counted in ClinVar's aggregate classification.
Comment: Likely benign based on allele frequency in 1000 Genomes Project or ESP global frequency and its presence in a patient with a rare or unrelated disease phenotype. NOT Sanger confirmed.

Genome Diagnostics Laboratory, Amsterdam University Medical Center
Classification: Likely benign. Review status: no assertion criteria provided. Collection method: clinical testing. Allele origin: germline. Affected: yes. Study: VKGL Data-share Consensus. Not counted in ClinVar's aggregate classification.

Genome Diagnostics Laboratory, University Medical Center Utrecht
Classification: Benign. Review status: no assertion criteria provided. Collection method: clinical testing. Allele origin: germline. Affected: yes. Study: VKGL Data-share Consensus. Not counted in ClinVar's aggregate classification.

Laboratory of Diagnostic Genome Analysis, Leiden University Medical Center (LUMC)
Classification: Likely benign. Review status: no assertion criteria provided. Collection method: clinical testing. Allele origin: germline. Affected: yes. Study: VKGL Data-share Consensus. Not counted in ClinVar's aggregate classification.